The following is an entry in ClinVar:

ClinVar aggregate classification (germline): Uncertain significance (1 of 4 stars; one submission).

Conditions:
Dilated cardiomyopathy 1G (CMD1G). Identifiers: Orphanet 154, MedGen C1858763, MONDO:0011400, OMIM 604145.
Autosomal recessive limb-girdle muscular dystrophy type 2J (LGMDR10). Also called: Limb-girdle muscular dystrophy, type 2J; MUSCULAR DYSTROPHY, LIMB-GIRDLE, AUTOSOMAL RECESSIVE 10. Identifiers: Orphanet 140922, MedGen C1837342, MONDO:0012127, OMIM 608807.

Submission:

Labcorp Genetics (formerly Invitae), Labcorp
Classification: Uncertain significance for Dilated cardiomyopathy 1G; Autosomal recessive limb-girdle muscular dystrophy type 2J. Last evaluated: 2023-12-31. Review status: criteria provided, single submitter. Criteria: Invitae Variant Classification Sherloc (09022015). Collection method: clinical testing. Allele origin: germline.
Comment: This sequence change falls in intron 286 of the TTN gene. It does not directly change the encoded amino acid sequence of the TTN protein. It affects a nucleotide within the consensus splice site. This variant is not present in population databases (gnomAD no frequency). This variant has not been reported in the literature in individuals affected with TTN-related conditions. Variants that disrupt the consensus splice site are a relatively common cause of aberrant splicing (PMID: 17576681, 9536098). Algorithms developed to predict the effect of sequence changes on RNA splicing suggest that this variant may disrupt the consensus splice site. This variant is located in the A band of TTN (PMID: 25589632). Variants in this region may be relevant for cardiac or neuromuscular disorders (PMID: 25589632, 23975875). In summary, the available evidence is currently insufficient to determine the role of this variant in disease. Therefore, it has been classified as a Variant of Uncertain Significance.

Literature cited by the submitters: PubMed 17576681; PubMed 9536098; PubMed 25589632; PubMed 23975875.

NM_001267550.2(TTN):c.55432+5G>A

Genes: TTN-AS1 (TTN antisense RNA 1; plus strand), TTN (titin; minus strand). Cytogenetic location: 2q31.2.
Variant type: single nucleotide variant.
Coding change: c.55432+5G>A on transcript NM_001267550.2 (MANE Select); 5 bases into the intron after coding-DNA position 55432, G replaced by A.
Molecular consequence: intron variant.
Genome position (GRCh38, 1-based): chr2:178,601,653, C>T on the plus strand (G>A on the coding strand, the complement: TTN is on the minus strand). VCF-style: chr2-178601653-C-T. GRCh37 (hg19) VCF-style: chr2-179466380-C-T.
Other names: c.28237+5G>A (NM_003319.4); c.28813+5G>A (NM_133437.4); c.28612+5G>A (NM_133432.3); c.47728+5G>A (NM_133378.4); c.50509+5G>A (NM_001256850.1).
Identifiers: ClinVar variation 2926552 (VCV002926552.3), dbSNP rs754717390, ClinGen allele CA2740096095.
Genomic context (GRCh38, chr2:178,601,653, plus strand): 5'-ACGTTCCTTAAATGCTTAAAAATAATTTGTTTTTATTCTGTAGCAACTTTCAAAGTCTTT[C>T]TTACCCATGACTTTAACTCTGCAATTTGCAGTCTTTTGTCCTGCTTTATTCTTGGCTGTG-3'